The following is an entry in ClinVar:

NM_015909.4(NBAS):c.1485G>C (p.Leu495Phe)

Gene: NBAS (NBAS subunit of NRZ tethering complex; minus strand). Cytogenetic location: 2p24.3.
Variant type: single nucleotide variant.
Coding change: c.1485G>C on transcript NM_015909.4 (MANE Select); coding-DNA position 1485, G replaced by C.
Protein change: p.Leu495Phe; replaces leucine 495 with phenylalanine.
Molecular consequence: missense variant. On other transcripts: non-coding transcript variant (1).
Genome position (GRCh38, 1-based): chr2:15,474,181, C>G on the plus strand (G>C on the coding strand, the complement: NBAS is on the minus strand). VCF-style: chr2-15474181-C-G. GRCh37 (hg19) VCF-style: chr2-15614305-C-G.
Other names: short protein forms L495F.
Identifiers: ClinVar variation 1978590 (VCV001978590.4), dbSNP rs2148585586, ClinGen allele CA345888380.

ClinVar aggregate classification (germline): Uncertain significance (1 of 4 stars; one submission).

gnomAD v4.1: 1 of 1,613,994 alleles (0.000062%); no homozygotes.

Submission:

Labcorp Genetics (formerly Invitae), Labcorp
Classification: Uncertain significance. Last evaluated: 2022-01-26. Review status: criteria provided, single submitter. Criteria: Invitae Variant Classification Sherloc (09022015). Collection method: clinical testing. Allele origin: germline.
Comment: This sequence change replaces leucine, which is neutral and non-polar, with phenylalanine, which is neutral and non-polar, at codon 495 of the NBAS protein (p.Leu495Phe). This variant is not present in population databases (gnomAD no frequency). This variant has not been reported in the literature in individuals affected with NBAS-related conditions. Algorithms developed to predict the effect of missense changes on protein structure and function output the following: SIFT: "Deleterious"; PolyPhen-2: "Benign"; Align-GVGD: "Class C15". The phenylalanine amino acid residue is found in multiple mammalian species, which suggests that this missense change does not adversely affect protein function. In summary, the available evidence is currently insufficient to determine the role of this variant in disease. Therefore, it has been classified as a Variant of Uncertain Significance.